The following is an entry in ClinVar:

NM_033026.6(PCLO):c.13228C>T (p.Arg4410Trp)

Gene: PCLO (piccolo presynaptic cytomatrix protein; minus strand). Cytogenetic location: 7q21.11.
Variant type: single nucleotide variant.
Coding change: c.13228C>T on transcript NM_033026.6 (MANE Select); coding-DNA position 13228, C replaced by T.
Protein change: p.Arg4410Trp; replaces arginine 4410 with tryptophan.
Molecular consequence: missense variant.
Genome position (GRCh38, 1-based): chr7:82,914,758, G>A on the plus strand (C>T on the coding strand, the complement: PCLO is on the minus strand). VCF-style: chr7-82914758-G-A. GRCh37 (hg19) VCF-style: chr7-82544074-G-A.
Other names: c.13228C>T, p.Arg4410Trp (NM_014510.3); short protein forms R4410W.
Identifiers: ClinVar variation 1968126 (VCV001968126.4), dbSNP rs557404681, ClinGen allele CA4319247.
Genomic context (GRCh38, chr7:82,914,758, plus strand): 5'-ACATGGCATGTTGGAAGTCATCCATGATGAATGCTATGTCACGGTCATAGCCTCGAGTCC[G>A]TGATTCTTCCCTCATGTGTTGCTGAACTTCAGGCAATGAGTGGCTTGATCCAAACTGATC-3'
Protein context (NP_149015.2, residues 4400-4420): EVQQHMREES[Arg4410Trp]TRGYDRDIAF

ClinVar aggregate classification (germline): Uncertain significance (1 of 4 stars; one submission).

Allele frequency attached by ClinVar (database versions not stated): gnomAD 0.00002; gnomAD exomes 0.00002.
gnomAD v4.1: 15 of 1,613,236 alleles (0.00093%); highest among the groups gnomAD compares: Admixed American, 0.0033%; no homozygotes.

Submission:

Labcorp Genetics (formerly Invitae), Labcorp
Classification: Uncertain significance. Last evaluated: 2022-05-03. Review status: criteria provided, single submitter. Criteria: Invitae Variant Classification Sherloc (09022015). Collection method: clinical testing. Allele origin: germline.
Comment: In summary, the available evidence is currently insufficient to determine the role of this variant in disease. Therefore, it has been classified as a Variant of Uncertain Significance. Algorithms developed to predict the effect of missense changes on protein structure and function are either unavailable or do not agree on the potential impact of this missense change (SIFT: "Deleterious"; PolyPhen-2: "Not Available"; Align-GVGD: "Class C0"). This variant has not been reported in the literature in individuals affected with PCLO-related conditions. This variant is present in population databases (rs557404681, gnomAD 0.003%). This sequence change replaces arginine, which is basic and polar, with tryptophan, which is neutral and slightly polar, at codon 4410 of the PCLO protein (p.Arg4410Trp).